The following is an entry in ClinVar:

ClinVar aggregate classification (germline): Uncertain significance (0 of 4 stars; one submission).

Conditions:
TSHZ1-related disorder. Also called: TSHZ1-related condition.

Submission:

PreventionGenetics, part of Exact Sciences
Classification: Uncertain significance for TSHZ1-related condition. Last evaluated: 2024-07-03. Review status: no assertion criteria provided. Collection method: clinical testing. Allele origin: germline.
Comment: The TSHZ1 c.2504C>T variant is predicted to result in the amino acid substitution p.Ser835Leu. To our knowledge, this variant has not been reported in the literature or in a large population database, indicating this variant is rare. At this time, the clinical significance of this variant is uncertain due to the absence of conclusive functional and genetic evidence.

NM_001308210.2(TSHZ1):c.2639C>T (p.Ser880Leu)

Gene: TSHZ1 (teashirt zinc finger homeobox 1; plus strand). Cytogenetic location: 18q22.3.
Variant type: single nucleotide variant.
Coding change: c.2639C>T on transcript NM_001308210.2 (MANE Select); coding-DNA position 2639, C replaced by T.
Protein change: p.Ser880Leu; replaces serine 880 with leucine.
Molecular consequence: missense variant.
Genome position (GRCh38, 1-based): chr18:75,288,046, C>T. VCF-style: chr18-75288046-C-T. GRCh37 (hg19) VCF-style: chr18-73000001-C-T.
Other names: c.2504C>T, p.Ser835Leu (NM_005786.6); short protein forms S835L, S880L.
Identifiers: ClinVar variation 3352388 (VCV003352388.1).